The following is an entry in ClinVar:

ClinVar aggregate classification (germline): Likely pathogenic. Review status: criteria provided, multiple submitters, no conflicts (2 of 4 stars). 2 submissions from 2 submitters: Likely pathogenic (2). Last evaluated 2022-01-19.

Conditions:
Familial cancer of breast. Also called: Hereditary breast cancer; hereditary breast carcinoma; BREAST CANCER, FAMILIAL. Identifiers: Orphanet 227535, MedGen C0346153, MONDO:0016419, OMIM 114480. Disease mechanism: loss of function.
Hereditary breast ovarian cancer syndrome. Also called: Hereditary breast and ovarian cancer syndrome; Hereditary breast and ovarian cancer; Breast and ovarian cancer; Hereditary breast and/or ovarian cancer syndrome; Hereditary breast and ovarian cancer syndrome (HBOC); BRCA1- and BRCA2-Associated Hereditary Breast and Ovarian Cancer. Identifiers: Orphanet 145, MedGen C0677776, MeSH D061325, MONDO:0003582. Disease mechanism: loss of function.

Submissions (2):

Women's Health and Genetics/Laboratory Corporation of America, LabCorp
Classification: Likely pathogenic for Hereditary breast ovarian cancer syndrome. Last evaluated: 2022-01-19. Review status: criteria provided, single submitter. Criteria: LabCorp Variant Classification Summary - May 2015. Collection method: clinical testing. Allele origin: germline.
Comment: Variant summary: BRCA2 c.7933_7943delinsCTATTAGCA (p.Arg2645LeufsX16) results in a premature termination codon, predicted to cause a truncation of the encoded protein or absence of the protein due to nonsense mediated decay, which are commonly known mechanisms for disease. Truncations downstream of this position have been classified as pathogenic by our laboratory. The variant was absent in 251304 control chromosomes. To our knowledge, no occurrence of c.7933_7943delinsCTATTAGCA in individuals affected with Hereditary Breast And Ovarian Cancer Syndrome and no experimental evidence demonstrating its impact on protein function have been reported. No clinical diagnostic laboratories have submitted clinical-significance assessments for this variant to ClinVar after 2014. Based on the evidence outlined above, the variant was classified as likely pathogenic.

Baylor Genetics
Classification: Likely pathogenic for Familial cancer of breast. Last evaluated: 2021-08-11. Review status: criteria provided, single submitter. Criteria: ACMG Guidelines, 2015. Collection method: clinical testing. Allele origin: unknown.

NM_000059.4(BRCA2):c.7933_7943delinsCTATTAGCA (p.Arg2645fs)

Gene: BRCA2 (BRCA2 DNA repair associated; plus strand). Cytogenetic location: 13q13.1.
Variant type: Indel.
Coding change: c.7933_7943delinsCTATTAGCA on transcript NM_000059.4 (MANE Select); coding-DNA positions 7933 to 7943, AGATGCCTAAG replaced by CTATTAGCA.
Protein change: p.Arg2645fs; shifts the reading frame from arginine 2645.
Molecular consequence: frameshift variant.
Genome position (GRCh38, 1-based): chr13:32,362,650-32,362,660, AGATGCCTAAG replaced by CTATTAGCA. VCF-style: chr13-32362650-AGATGCCTAAG-CTATTAGCA. GRCh37 (hg19) VCF-style: chr13-32936787-AGATGCCTAAG-CTATTAGCA.
Other names: short protein forms R2645fs.
Identifiers: ClinVar variation 1339716 (VCV001339716.2), dbSNP rs2137577594, ClinGen allele CA2573053824.